The following is an entry in ClinVar:

NM_024652.6(LRRK1):c.989+4G>A

Gene: LRRK1 (leucine rich repeat kinase 1; plus strand). Cytogenetic location: 15q26.3.
Variant type: single nucleotide variant.
Coding change: c.989+4G>A on transcript NM_024652.6 (MANE Select); 4 bases into the intron after coding-DNA position 989, G replaced by A.
Molecular consequence: intron variant.
Genome position (GRCh38, 1-based): chr15:101,009,067, G>A. VCF-style: chr15-101009067-G-A. GRCh37 (hg19) VCF-style: chr15-101549272-G-A.
Identifiers: ClinVar variation 1366726 (VCV001366726.5), dbSNP rs367913612, ClinGen allele CA7760749.

ClinVar aggregate classification (germline): Conflicting classifications of pathogenicity. Review status: criteria provided, conflicting classifications (1 of 4 stars). 2 submissions from 2 submitters: Uncertain significance (1); Likely benign (1). Last evaluated 2024-05-14.

Allele frequency attached by ClinVar (database versions not stated): gnomAD exomes 0.00004; ExAC 0.00006; gnomAD 0.00006; ESP Exome Variant Server 0.00008.
gnomAD v4.1: 77 of 1,609,270 alleles (0.0048%); highest among the groups gnomAD compares: Middle Eastern, 0.05%; no homozygotes.

Submissions (2):

Blueprint Genetics
Classification: Likely benign. Last evaluated: 2024-05-14. Review status: criteria provided, single submitter. Criteria: ACMG Guidelines, 2015. Collection method: clinical testing. Allele origin: germline.

Labcorp Genetics (formerly Invitae), Labcorp
Classification: Uncertain significance. Last evaluated: 2022-11-15. Review status: criteria provided, single submitter. Criteria: Invitae Variant Classification Sherloc (09022015). Collection method: clinical testing. Allele origin: germline.
Comment: This variant is present in population databases (rs367913612, gnomAD 0.008%). In summary, the available evidence is currently insufficient to determine the role of this variant in disease. Therefore, it has been classified as a Variant of Uncertain Significance. Variants that disrupt the consensus splice site are a relatively common cause of aberrant splicing (PMID: 17576681, 9536098). Algorithms developed to predict the effect of sequence changes on RNA splicing suggest that this variant is not likely to affect RNA splicing. ClinVar contains an entry for this variant (Variation ID: 1366726). This variant has not been reported in the literature in individuals affected with LRRK1-related conditions. This sequence change falls in intron 7 of the LRRK1 gene. It does not directly change the encoded amino acid sequence of the LRRK1 protein. It affects a nucleotide within the consensus splice site.

Literature cited by the submitters: PubMed 17576681 (cited by Labcorp Genetics (formerly Invitae), Labcorp); PubMed 9536098 (cited by Labcorp Genetics (formerly Invitae), Labcorp).